The following is an entry in ClinVar:

ClinVar aggregate classification (germline): Uncertain significance. Review status: criteria provided, multiple submitters, no conflicts (2 of 4 stars). 2 submissions from 2 submitters: Uncertain significance (2). Last evaluated 2025-06-16.

Conditions:
Inborn genetic diseases. Identifiers: MedGen C0950123, MeSH D030342.

Allele frequency attached by ClinVar (database versions not stated): gnomAD exomes below 0.00001; gnomAD 0.00001.
gnomAD v4.1: 2 of 1,613,698 alleles (0.00012%); highest among the groups gnomAD compares: African/African-American, 0.0013%; no homozygotes.

Submissions (2):

Ambry Genetics
Classification: Uncertain significance for Inborn genetic diseases. Last evaluated: 2025-06-16. Review status: criteria provided, single submitter. Criteria: Ambry Variant Classification Scheme 2023. Collection method: clinical testing. Allele origin: germline.

Labcorp Genetics (formerly Invitae), Labcorp
Classification: Uncertain significance. Last evaluated: 2022-02-21. Review status: criteria provided, single submitter. Criteria: Invitae Variant Classification Sherloc (09022015). Collection method: clinical testing. Allele origin: germline.
Comment: In summary, the available evidence is currently insufficient to determine the role of this variant in disease. Therefore, it has been classified as a Variant of Uncertain Significance. Algorithms developed to predict the effect of missense changes on protein structure and function are either unavailable or do not agree on the potential impact of this missense change (SIFT: "Deleterious"; PolyPhen-2: "Probably Damaging"; Align-GVGD: "Class C0"). This variant has not been reported in the literature in individuals affected with HPS5-related conditions. This variant is present in population databases (no rsID available, gnomAD 0.01%). This sequence change replaces glutamic acid, which is acidic and polar, with glycine, which is neutral and non-polar, at codon 917 of the HPS5 protein (p.Glu917Gly).

NM_181507.2(HPS5):c.2750A>G (p.Glu917Gly)

Gene: HPS5 (HPS5 biogenesis of lysosomal organelles complex 2 subunit 2; minus strand). Cytogenetic location: 11p15.1.
Variant type: single nucleotide variant.
Coding change: c.2750A>G on transcript NM_181507.2 (MANE Select); coding-DNA position 2750, A replaced by G.
Protein change: p.Glu917Gly; replaces glutamic acid 917 with glycine.
Molecular consequence: missense variant.
Genome position (GRCh38, 1-based): chr11:18,286,678, T>C on the plus strand (A>G on the coding strand, the complement: HPS5 is on the minus strand). VCF-style: chr11-18286678-T-C. GRCh37 (hg19) VCF-style: chr11-18308225-T-C.
Other names: c.2408A>G, p.Glu803Gly (NM_007216.4, NM_181508.2); short protein forms E917G, E803G.
Identifiers: ClinVar variation 2101295 (VCV002101295.5), dbSNP rs1305330020, ClinGen allele CA379517027.